The following is an entry in ClinVar:

ClinVar aggregate classification (germline): Uncertain significance. Review status: criteria provided, multiple submitters, no conflicts (2 of 4 stars). 2 submissions from 2 submitters: Uncertain significance (2). Last evaluated 2026-02-01.

Conditions:
Inborn genetic diseases. Identifiers: MedGen C0950123, MeSH D030342.

Submissions (2):

Labcorp Genetics (formerly Invitae), Labcorp
Classification: Uncertain significance. Last evaluated: 2026-02-01. Review status: criteria provided, single submitter. Criteria: Invitae Variant Classification Sherloc (09022015). Collection method: clinical testing. Allele origin: germline.
Comment: This sequence change replaces arginine, which is basic and polar, with proline, which is neutral and non-polar, at codon 431 of the MAGEL2 protein (p.Arg431Pro). This variant is present in population databases (no rsID available, gnomAD 0.01%). This variant has not been reported in the literature in individuals affected with MAGEL2-related conditions. ClinVar contains an entry for this variant (Variation ID: 2392580). Experimental studies and prediction algorithms are not available or were not evaluated, and the functional significance of this variant is currently unknown. In summary, the available evidence is currently insufficient to determine the role of this variant in disease. Therefore, it has been classified as a Variant of Uncertain Significance.

Ambry Genetics
Classification: Uncertain significance for Inborn genetic diseases. Last evaluated: 2022-11-18. Review status: criteria provided, single submitter. Criteria: Ambry Variant Classification Scheme 2023. Collection method: clinical testing. Allele origin: germline.

NM_019066.5(MAGEL2):c.1292G>C (p.Arg431Pro)

Gene: MAGEL2 (MAGE family member L2; minus strand). Cytogenetic location: 15q11.2.
Variant type: single nucleotide variant.
Coding change: c.1292G>C on transcript NM_019066.5 (MANE Select); coding-DNA position 1292, G replaced by C.
Protein change: p.Arg431Pro; replaces arginine 431 with proline.
Molecular consequence: missense variant.
Genome position (GRCh38, 1-based): chr15:23,646,451, C>G on the plus strand (G>C on the coding strand, the complement: MAGEL2 is on the minus strand). VCF-style: chr15-23646451-C-G. GRCh37 (hg19) VCF-style: chr15-23891598-C-G.
Other names: short protein forms R431P.
Identifiers: ClinVar variation 2392580 (VCV002392580.4), dbSNP rs1336790591, ClinGen allele CA391334613.